The following is an entry in ClinVar:

ClinVar aggregate classification (germline): Pathogenic/Likely pathogenic. Review status: criteria provided, multiple submitters, no conflicts (2 of 4 stars). 5 submissions from 5 submitters: Pathogenic (2); Likely pathogenic (3). Last evaluated 2024-03-26.

Conditions:
Hereditary nonpolyposis colorectal neoplasms. Identifiers: MedGen C0009405, MeSH D003123.
Hereditary cancer-predisposing syndrome. Also called: Hereditary Cancer Syndrome; Neoplastic Syndromes, Hereditary; Tumor predisposition; Hereditary neoplastic syndrome. Identifiers: Orphanet 140162, MedGen C0027672, MeSH D009386, MONDO:0015356.
Lynch syndrome 5 (LYNCH5). Also called: Colorectal cancer, hereditary nonpolyposis, type 5; Hereditary non-polyposis colorectal cancer, type 5. Identifiers: Orphanet 144, MedGen C1833477, MONDO:0013710, OMIM 614350. Disease mechanism: loss of function.

Submissions (5):

Ambry Genetics
Classification: Pathogenic for Hereditary cancer-predisposing syndrome. Last evaluated: 2024-03-26. Review status: criteria provided, single submitter. Criteria: Ambry Variant Classification Scheme 2023. Collection method: clinical testing. Allele origin: germline.
Comment: The c.3798_3801+9del13 pathogenic mutation results from a deletion of 13 nucleotides between positions c.3798 and c.3801+9 and involves the canonical splice donor site after coding exon 8 of the MSH6 gene. This variant is considered to be rare based on population cohorts in the Genome Aggregation Database (gnomAD). This variant has been observed in an affected individual from a cohort of Lynch Syndrome patients (Brand et al. Fam Cancer 2020 Apr;19(2):169-175). Alterations that disrupt the canonical splice site are expected to cause aberrant splicing, resulting in an abnormal protein or a transcript that is subject to nonsense-mediated mRNA decay. As such, this alteration is interpreted as a disease-causing mutation.

Myriad Genetics, Inc.
Classification: Likely pathogenic for Lynch syndrome 5. Last evaluated: 2023-08-25. Review status: criteria provided, single submitter. Criteria: Myriad Autosomal Dominant, Autosomal Recessive and X-Linked Classification Criteria (2023). Collection method: clinical testing. Allele origin: unknown.
Comment: This variant is considered likely pathogenic. This variant occurs within a consensus splice junction and is predicted to result in abnormal mRNA splicing of either an out-of-frame exon or an in-frame exon necessary for protein stability and/or normal function.

Color Diagnostics, LLC DBA Color Health
Classification: Likely pathogenic for Hereditary cancer-predisposing syndrome. Last evaluated: 2019-04-05. Review status: criteria provided, single submitter. Criteria: ACMG Guidelines, 2015. Collection method: clinical testing. Allele origin: germline.

Labcorp Genetics (formerly Invitae), Labcorp
Classification: Likely pathogenic for Hereditary nonpolyposis colorectal neoplasms. Last evaluated: 2018-05-03. Review status: criteria provided, single submitter. Criteria: Invitae Variant Classification Sherloc (09022015). Collection method: clinical testing. Allele origin: germline.
Comment: This variant is a deletion of the genomic region encompassing part of exon 8 (c.3798_3801+9del) of the MSH6 gene. It is expected to disrupt RNA splicing and likely results in an absent or disrupted protein product. In summary, the currently available evidence indicates that the variant is pathogenic, but additional data are needed to prove that conclusively. Therefore, this variant has been classified as Likely Pathogenic. Loss-of-function variants in MSH6 are known to be pathogenic (PMID: 18269114, 24362816). Algorithms developed to predict the effect of sequence changes on RNA splicing suggest that this variant may disrupt the consensus splice site, but this prediction has not been confirmed by published transcriptional studies. This variant has not been reported in the literature in individuals with MSH6-related disease. ClinVar contains an entry for this variant (Variation ID: 491960). This variant is not present in population databases (ExAC no frequency).

Quest Diagnostics Nichols Institute San Juan Capistrano
Classification: Pathogenic. Last evaluated: 2017-11-02. Review status: criteria provided, single submitter. Criteria: Quest Diagnostics criteria. Collection method: clinical testing. Allele origin: germline.

Literature cited by the submitters: PubMed 31997046 (cited by Ambry Genetics); PubMed 18269114 (cited by Labcorp Genetics (formerly Invitae), Labcorp); PubMed 24362816 (cited by Labcorp Genetics (formerly Invitae), Labcorp).

NM_000179.3(MSH6):c.3798_3801+9del

Gene: MSH6 (mutS homolog 6; plus strand). Cytogenetic location: 2p16.3.
Variant type: Deletion.
Coding change: c.3798_3801+9del on transcript NM_000179.3 (MANE Select); coding-DNA position 3798 through 9 bases into the intron after coding-DNA position 3801, 13 bases deleted (TATGGTATGTGCA).
Molecular consequence: splice donor variant.
Genome position (GRCh38, 1-based): chr2:47,806,355-47,806,367, TATGGTATGTGCA deleted; deleting any 13 consecutive bases within chr2:47,806,353-47,806,367 gives the same sequence; the c. name uses the placement nearest the transcript's 3' end. VCF-style (leftmost placement, unchanged base first): chr2-47806352-ACATATGGTATGTG-A. GRCh37 (hg19) VCF-style: chr2-48033491-ACATATGGTATGTG-A.
Other names: c.3798_3801+9delTATGGTATGTGCA (NM_000179.2); c.2892_2895+9del (NM_001281493.2, NM_001281494.2); c.3408_3411+9del (NM_001281492.2).
Identifiers: ClinVar variation 491960 (VCV000491960.15), dbSNP rs1553333168, ClinGen allele CA658683257.